The following is an entry in ClinVar:

ClinVar aggregate classification (germline): Uncertain significance. Review status: criteria provided, multiple submitters, no conflicts (2 of 4 stars). 2 submissions from 2 submitters: Uncertain significance (2). Last evaluated 2024-12-09.

Conditions:
Inborn genetic diseases. Identifiers: MedGen C0950123, MeSH D030342.
Amyotrophic lateral sclerosis type 1 (ALS1). Also called: AMYOTROPHIC LATERAL SCLEROSIS 1, FAMILIAL. Identifiers: Orphanet 803, MedGen C1862939, MONDO:0007103, OMIM 105400.
Neuronopathy, distal hereditary motor, type 7B. Also called: NEURONOPATHY, DISTAL HEREDITARY MOTOR, AUTOSOMAL DOMINANT 14; NEURONOPATHY, DISTAL HEREDITARY MOTOR, HARDING TYPE VIIB; NEUROPATHY, DISTAL HEREDITARY MOTOR, HARDING TYPE VIIB; NEUROPATHY, DISTAL HEREDITARY MOTOR, WITH VOCAL CORD PARALYSIS, HARDING TYPE VIIB; HMN VIIB; LOWER MOTOR NEURON DISEASE, DYNACTIN TYPE. Identifiers: Orphanet 139589, MedGen C1843315, MONDO:0011879, OMIM 607641.
Perry syndrome. Also called: PARKINSONISM WITH ALVEOLAR HYPOVENTILATION AND MENTAL DEPRESSION. Identifiers: Orphanet 178509, MedGen C1868594, MONDO:0008201, OMIM 168605.

Allele frequency attached by ClinVar (database versions not stated): TOPMed below 0.00001; gnomAD 0.00001.
gnomAD v4.1: 18 of 1,613,564 alleles (0.0011%); highest among the groups gnomAD compares: Non-Finnish European, 0.0014%; no homozygotes.

Submissions (2):

Labcorp Genetics (formerly Invitae), Labcorp
Classification: Uncertain significance for Amyotrophic lateral sclerosis type 1; Neuronopathy, distal hereditary motor, type 7B; Perry syndrome. Last evaluated: 2024-12-09. Review status: criteria provided, single submitter. Criteria: Invitae Variant Classification Sherloc (09022015). Collection method: clinical testing. Allele origin: germline.
Comment: This sequence change replaces arginine, which is basic and polar, with histidine, which is basic and polar, at codon 32 of the DCTN1 protein (p.Arg32His). This variant is present in population databases (no rsID available, gnomAD 0.003%). This variant has not been reported in the literature in individuals affected with DCTN1-related conditions. ClinVar contains an entry for this variant (Variation ID: 1767529). Invitae Evidence Modeling of protein sequence and biophysical properties (such as structural, functional, and spatial information, amino acid conservation, physicochemical variation, residue mobility, and thermodynamic stability) indicates that this missense variant is not expected to disrupt DCTN1 protein function with a negative predictive value of 95%. In summary, the available evidence is currently insufficient to determine the role of this variant in disease. Therefore, it has been classified as a Variant of Uncertain Significance.

Ambry Genetics
Classification: Uncertain significance for Inborn genetic diseases. Last evaluated: 2019-09-28. Review status: criteria provided, single submitter. Criteria: Ambry Variant Classification Scheme 2023. Collection method: clinical testing. Allele origin: germline.
Comment: The p.R32H variant (also known as c.95G>A), located in coding exon 2 of the DCTN1 gene, results from a G to A substitution at nucleotide position 95. The arginine at codon 32 is replaced by histidine, an amino acid with highly similar properties. This amino acid position is well conserved in available vertebrate species. In addition, the in silico prediction for this alteration is inconclusive. Since supporting evidence is limited at this time, the clinical significance of this alteration remains unclear.

NM_004082.5(DCTN1):c.95G>A (p.Arg32His)

Gene: DCTN1 (dynactin subunit 1; minus strand). Cytogenetic location: 2p13.1.
Variant type: single nucleotide variant.
Coding change: c.95G>A on transcript NM_004082.5 (MANE Select); coding-DNA position 95, G replaced by A.
Protein change: p.Arg32His; replaces arginine 32 with histidine.
Molecular consequence: missense variant. On other transcripts: non-coding transcript variant (1).
Genome position (GRCh38, 1-based): chr2:74,378,184, C>T on the plus strand (G>A on the coding strand, the complement: DCTN1 is on the minus strand). VCF-style: chr2-74378184-C-T. GRCh37 (hg19) VCF-style: chr2-74605311-C-T.
Other names: c.95G>A, p.Arg32His (NM_001135040.3, NM_001190837.2); c.44G>A, p.Arg15His (NM_001190836.2, NM_001378991.1, NM_001378992.1); short protein forms R32H, R15H.
Identifiers: ClinVar variation 1767529 (VCV001767529.7), dbSNP rs988197992, ClinGen allele CA50440281.
Genomic context (GRCh38, chr2:74,378,184, plus strand): 5'-AACAGTGTGGCTCCAACATAGGCCACAGTGCCTCGGTGGCCTTTTCCAATCACCTCTACA[C>T]GGGAGCCCACCCGCAGAGGCCGGGCGCTTGCCTCCGCACTCATCCTGCTGCCGCTGGGCG-3'
Protein context (NP_004073.2, residues 22-42): ASARPLRVGS[Arg32His]VEVIGKGHRG